The following is an entry in ClinVar:

NM_002972.4(SBF1):c.897+1G>A

Gene: SBF1 (SET binding factor 1; minus strand). Cytogenetic location: 22q13.33.
Variant type: single nucleotide variant.
Coding change: c.897+1G>A on transcript NM_002972.4 (MANE Select); the canonical splice donor site of the intron after coding-DNA position 897, G replaced by A.
Molecular consequence: splice donor variant.
Genome position (GRCh38, 1-based): chr22:50,466,149, C>T on the plus strand (G>A on the coding strand, the complement: SBF1 is on the minus strand). VCF-style: chr22-50466149-C-T. GRCh37 (hg19) VCF-style: chr22-50904578-C-T.
Other names: c.897+1G>A (NM_001410795.1); c.900+1G>A (NM_001365819.1, NM_001410794.1).
Identifiers: ClinVar variation 1304331 (VCV001304331.9), dbSNP rs374026247, ClinGen allele CA10317927.

ClinVar aggregate classification (germline): Conflicting classifications of pathogenicity. Review status: criteria provided, conflicting classifications (1 of 4 stars). 2 submissions from 2 submitters: Likely pathogenic (1); Uncertain significance (1). Last evaluated 2025-07-14.

Allele frequency attached by ClinVar (database versions not stated): gnomAD exomes below 0.00001; TOPMed below 0.00001; ExAC 0.00001; ESP Exome Variant Server 0.00008.
gnomAD v4.1: 2 of 1,613,658 alleles (0.00012%); highest among the groups gnomAD compares: Non-Finnish European, 0.00017%; no homozygotes.

Submissions (2):

Labcorp Genetics (formerly Invitae), Labcorp
Classification: Likely pathogenic. Last evaluated: 2025-07-14. Review status: criteria provided, single submitter. Criteria: Invitae Variant Classification Sherloc (09022015). Collection method: clinical testing. Allele origin: germline.
Comment: This sequence change affects a donor splice site in intron 8 of the SBF1 gene. It is expected to disrupt RNA splicing. Variants that disrupt the donor or acceptor splice site typically lead to a loss of protein function (PMID: 16199547), and loss-of-function variants in SBF1 are known to be pathogenic (PMID: 28005197, 28902413). This variant is present in population databases (rs374026247, gnomAD 0.0009%). This variant has not been reported in the literature in individuals affected with SBF1-related conditions. ClinVar contains an entry for this variant (Variation ID: 1304331). Algorithms developed to predict the effect of sequence changes on RNA splicing suggest that this variant may disrupt the consensus splice site. In summary, the currently available evidence indicates that the variant is pathogenic, but additional data are needed to prove that conclusively. Therefore, this variant has been classified as Likely Pathogenic.

GeneDx
Classification: Uncertain significance. Last evaluated: 2018-11-16. Review status: criteria provided, single submitter. Criteria: GeneDx Variant Classification Process June 2021. Collection method: clinical testing. Allele origin: germline. Affected: yes.
Comment: Not observed at a significant frequency in large population cohorts (Lek et al., 2016); Canonical splice site variant in a gene for which loss-of-function is not a known mechanism of disease; Has not been previously published as pathogenic or benign to our knowledge

Literature cited by the submitters: PubMed 16199547 (cited by Labcorp Genetics (formerly Invitae), Labcorp); PubMed 28005197 (cited by Labcorp Genetics (formerly Invitae), Labcorp); PubMed 28902413 (cited by Labcorp Genetics (formerly Invitae), Labcorp).